The following is an entry in ClinVar:

ClinVar aggregate classification (germline): Pathogenic. Review status: criteria provided, single submitter (1 of 4 stars). 2 submissions from 2 submitters: Pathogenic (1). 1 of the submissions does not count toward it. Last evaluated 2019-12-10.

Conditions:
Autosomal recessive proximal renal tubular acidosis (PRTAO). Also called: RENAL TUBULAR ACIDOSIS, PROXIMAL, WITH OCULAR ABNORMALITIES AND MENTAL RETARDATION; RENAL TUBULAR ACIDOSIS, PROXIMAL, WITH OCULAR ABNORMALITIES AND IMPAIRED INTELLECTUAL DEVELOPMENT; PROXIMAL RENAL TUBULAR ACIDOSIS-OCULAR ANOMALY SYNDROME; RTA, PROXIMAL, AUTOSOMAL RECESSIVE. Identifiers: Orphanet 93607, MedGen C1970309, MONDO:0011422, OMIM 604278.

Submissions (2):

Institute of Human Genetics, University of Leipzig Medical Center
Classification: Pathogenic for Autosomal recessive proximal renal tubular acidosis. Last evaluated: 2019-12-10. Review status: criteria provided, single submitter. Criteria: ACMG Guidelines, 2015. Collection method: clinical testing. Allele origin: germline. Affected: yes. Observed: 1 variant allele.
Comment: This variant was identified as homozygous

Institute of Human Genetics, Cologne University
Classification: Likely pathogenic for Autosomal recessive proximal renal tubular acidosis. Review status: no assertion criteria provided. Collection method: clinical testing. Allele origin: germline. Inheritance: Autosomal recessive inheritance. Affected: yes. Observed: 1 variant allele, 1 homozygote. Not counted in ClinVar's aggregate classification.

NM_001098484.3(SLC4A4):c.831del (p.Lys277fs)

Gene: SLC4A4 (solute carrier family 4 member 4; plus strand). Cytogenetic location: 4q13.3.
Variant type: Deletion.
Coding change: c.831del on transcript NM_001098484.3 (MANE Select); coding-DNA position 831, one base deleted (A; older notation c.831delA).
Protein change: p.Lys277fs; shifts the reading frame from lysine 277.
Molecular consequence: frameshift variant.
Genome position (GRCh38, 1-based): chr4:71,440,639, A deleted; the last of 6 consecutive A bases (chr4:71,440,634-71,440,639); deleting any one gives the same sequence. VCF-style (leftmost placement, unchanged base first): chr4-71440633-GA-G. GRCh37 (hg19) VCF-style: chr4-72306350-GA-G.
Other names: c.831del, p.Lys277fs (NM_001134742.2); c.699del, p.Lys233fs (NM_003759.4); c.699delA (NM_003759.3); short protein forms K233fs, K277fs.
Identifiers: ClinVar variation 545698 (VCV000545698.2), dbSNP rs1553913019, ClinGen allele CA439875349.